The following is an entry in ClinVar:

NM_032119.4(ADGRV1):c.5155G>A (p.Ala1719Thr)

Gene: ADGRV1 (adhesion G protein-coupled receptor V1; plus strand). Cytogenetic location: 5q14.3.
Variant type: single nucleotide variant.
Coding change: c.5155G>A on transcript NM_032119.4 (MANE Select); coding-DNA position 5155, G replaced by A.
Protein change: p.Ala1719Thr; replaces alanine 1719 with threonine.
Molecular consequence: missense variant. On other transcripts: non-coding transcript variant (1).
Genome position (GRCh38, 1-based): chr5:90,675,287, G>A. VCF-style: chr5-90675287-G-A. GRCh37 (hg19) VCF-style: chr5-89971104-G-A.
Other names: p.Ala1719Thr; c.5155G>A (NM_032119.3); short protein forms A1719T.
Identifiers: ClinVar variation 1993207 (VCV001993207.7), dbSNP rs777001637, ClinGen allele CA3339506.

ClinVar aggregate classification (germline): Conflicting classifications of pathogenicity. Review status: criteria provided, conflicting classifications (1 of 4 stars). 3 submissions from 3 submitters: Uncertain significance (1); Likely benign (2). Last evaluated 2023-06-10.

Conditions:
Inborn genetic diseases. Identifiers: MedGen C0950123, MeSH D030342.

Allele frequency attached by ClinVar (database versions not stated): ExAC 0.00003.
gnomAD v4.1: 26 of 1,613,604 alleles (0.0016%); highest among the groups gnomAD compares: African/African-American, 0.0027%; no homozygotes.

Submissions (3):

Labcorp Genetics (formerly Invitae), Labcorp
Classification: Likely benign. Last evaluated: 2023-06-10. Review status: criteria provided, single submitter. Criteria: Invitae Variant Classification Sherloc (09022015). Collection method: clinical testing. Allele origin: germline.

Ambry Genetics
Classification: Likely benign for Inborn genetic diseases. Last evaluated: 2023-02-16. Review status: criteria provided, single submitter. Criteria: Ambry Variant Classification Scheme 2023. Collection method: clinical testing. Allele origin: germline.

Mayo Clinic Laboratories, Mayo Clinic
Classification: Uncertain significance. Last evaluated: 2022-01-18. Review status: criteria provided, single submitter. Criteria: ACMG Guidelines, 2015. Collection method: clinical testing. Allele origin: germline. Observed: 1 variant allele.
Comment: BP4, PM2